The following is an entry in ClinVar:

ClinVar aggregate classification (germline): Uncertain significance (1 of 4 stars; one submission).

Conditions:
Intellectual developmental disorder, X-linked, syndromic, Turner type. Also called: X-linked intellectual disability, Turner type; Intellectual disability, X-linked syndromic, Turner type. Identifiers: Orphanet 3056, Orphanet 85328, MedGen C2678046, MONDO:0010407, OMIM 309590.

gnomAD v4.1: 9 of 1,210,158 alleles (0.00074%); highest among the groups gnomAD compares: Non-Finnish European, 0.00078%; no homozygotes.

Submission:

Victorian Clinical Genetics Services, Murdoch Childrens Research Institute
Classification: Uncertain significance for Intellectual developmental disorder, X-linked, syndromic, Turner type. Last evaluated: 2022-09-02. Review status: criteria provided, single submitter. Criteria: ACMG Guidelines, 2015. Collection method: clinical testing. Allele origin: germline. Inheritance: X-linked inheritance. Affected: yes.
Comment: Based on the classification scheme VCGS_Germline_v1.3.4, this variant is classified as VUS-3A. Following criteria are met: 0103 - Loss of function and gain of function are known mechanisms of disease in this gene and are associated with intellectual developmental disorder, Turner type (MIM#309590) (PMID: 27130160). (I) 0110 - This gene is associated with X-linked disease. Due to skewed X-inactivation heterozygous females can be variably affected ranging from asymptomatic to fully manifesting the condition (PMID: 29180823). (I) 0200 - Variant is predicted to result in a missense amino acid change from aspartic acid to asparagine. (I) 0253 - This variant is hemizygous. (I) 0302 - Variant is present in gnomAD (v2) <0.001 for a dominant condition (1 heterozygote, 0 homozygotes, 0 hemizygotes). (SP) 0502 - Missense variant with conflicting in silico predictions and uninformative conservation. (I) 0603 - Missense variant in a region that is highly intolerant to missense variation (high constraint region in DECIPHER). (SP) 0705 - No comparable missense variants have previous evidence for pathogenicity. (I) 0807 - This variant has no previous evidence of pathogenicity. (I) 0905 - No published segregation evidence has been identified for this variant. (I) 1007 - No published functional evidence has been identified for this variant. (I) 1208 - Inheritance information for this variant is not currently available in this individual. (I) Legend: (SP) - Supporting pathogenic, (I) - Information, (SB) - Supporting benign

Literature cited by the submitters: PubMed 27130160; PubMed 29180823.

NM_031407.7(HUWE1):c.12865G>A (p.Asp4289Asn)

Gene: HUWE1 (HECT, UBA and WWE domain containing E3 ubiquitin protein ligase 1; minus strand). Cytogenetic location: Xp11.22.
Variant type: single nucleotide variant.
Coding change: c.12865G>A on transcript NM_031407.7 (MANE Select); coding-DNA position 12865, G replaced by A.
Protein change: p.Asp4289Asn; replaces aspartic acid 4289 with asparagine.
Molecular consequence: missense variant.
Genome position (GRCh38, 1-based): chrX:53,534,164, C>T on the plus strand (G>A on the coding strand, the complement: HUWE1 is on the minus strand). VCF-style: chrX-53534164-C-T. GRCh37 (hg19) VCF-style: chrX-53561125-C-T.
Other names: short protein forms D4289N.
Identifiers: ClinVar variation 1806011 (VCV001806011.2), dbSNP rs1556909422, ClinGen allele CA413145169.